The following is an entry in ClinVar:

ClinVar aggregate classification (germline): Likely pathogenic (1 of 4 stars; one submission).

Submission:

Labcorp Genetics (formerly Invitae), Labcorp
Classification: Likely pathogenic. Last evaluated: 2022-02-09. Review status: criteria provided, single submitter. Criteria: Invitae Variant Classification Sherloc (09022015). Collection method: clinical testing. Allele origin: germline.
Comment: In summary, the currently available evidence indicates that the variant is pathogenic, but additional data are needed to prove that conclusively. Therefore, this variant has been classified as Likely Pathogenic. This variant has been observed in individual(s) with clinical features of chondrodysplasia punctata (Invitae). In at least one individual the variant was observed to be de novo. This variant is not present in population databases (gnomAD no frequency). This variant, c.288_290del, results in the deletion of 1 amino acid(s) of the EBP protein (p.Phe96del), but otherwise preserves the integrity of the reading frame.

NM_006579.3(EBP):c.285CTT[1] (p.Phe96del)

Gene: EBP (EBP cholestenol delta-isomerase; plus strand). Cytogenetic location: Xp11.23.
Variant type: Microsatellite.
Coding change: c.285CTT[1] on transcript NM_006579.3 (MANE Select); one copy of the 3-base unit CTT starting at c.285; the reference has two copies in a row; one copy, 3 bases deleted.
Protein change: p.Phe96del; deletes phenylalanine 96.
Molecular consequence: inframe deletion.
Genome position (GRCh38, 1-based): chrX:48,524,059-48,524,061, CTT deleted; deleting any 3 consecutive bases within chrX:48,524,056-48,524,061 gives the same sequence; the position shown is the placement nearest the transcript's 3' end. VCF-style (leftmost placement, unchanged base first): chrX-48524055-CCTT-C. GRCh37 (hg19) VCF-style: chrX-48382443-CCTT-C.
Other names: short protein forms F96del.
Identifiers: ClinVar variation 1514947 (VCV001514947.8), dbSNP rs2147154755, ClinGen allele CA2580617030.